The following is an entry in ClinVar:

ClinVar aggregate classification (germline): Uncertain significance (1 of 4 stars; one submission).

Conditions:
Colorectal cancer, hereditary nonpolyposis, type 7. Identifiers: Orphanet 144, MedGen C1858380, MONDO:0013725, OMIM 614385.

Submission:

Labcorp Genetics (formerly Invitae), Labcorp
Classification: Uncertain significance for Colorectal cancer, hereditary nonpolyposis, type 7. Last evaluated: 2021-10-13. Review status: criteria provided, single submitter. Criteria: Invitae Variant Classification Sherloc (09022015). Collection method: clinical testing. Allele origin: germline.
Comment: This sequence change replaces isoleucine with valine at codon 277 of the MLH3 protein (p.Ile277Val). The isoleucine residue is weakly conserved and there is a small physicochemical difference between isoleucine and valine. In summary, the available evidence is currently insufficient to determine the role of this variant in disease. Therefore, it has been classified as a Variant of Uncertain Significance. Algorithms developed to predict the effect of missense changes on protein structure and function (SIFT, PolyPhen-2, Align-GVGD) all suggest that this variant is likely to be tolerated. This variant has not been reported in the literature in individuals affected with MLH3-related conditions. This variant is not present in population databases (ExAC no frequency).

NM_001040108.2(MLH3):c.829A>G (p.Ile277Val)

Gene: MLH3 (mutL homolog 3; minus strand). Cytogenetic location: 14q24.3.
Variant type: single nucleotide variant.
Coding change: c.829A>G on transcript NM_001040108.2 (MANE Select); coding-DNA position 829, A replaced by G.
Protein change: p.Ile277Val; replaces isoleucine 277 with valine.
Molecular consequence: missense variant.
Genome position (GRCh38, 1-based): chr14:75,048,827, T>C on the plus strand (A>G on the coding strand, the complement: MLH3 is on the minus strand). VCF-style: chr14-75048827-T-C. GRCh37 (hg19) VCF-style: chr14-75515530-T-C.
Other names: c.829A>G, p.Ile277Val (NM_014381.3); short protein forms I277V.
Identifiers: ClinVar variation 1386489 (VCV001386489.6), dbSNP rs2139598210, ClinGen allele CA390448949.